The following is an entry in ClinVar:

ClinVar aggregate classification (germline): Pathogenic. Review status: reviewed by expert panel (3 of 4 stars). 8 submissions from 8 submitters: Pathogenic (1). 7 of the submissions do not count toward it. Last evaluated 2025-07-29.

Conditions:
Autosomal recessive limb-girdle muscular dystrophy. Identifiers: Orphanet 102015, MedGen C2931907, MONDO:0015152.
Autosomal recessive limb-girdle muscular dystrophy type 2B (LGMDR2). Also called: MUSCULAR DYSTROPHY, LIMB-GIRDLE, AUTOSOMAL RECESSIVE 2; Limb-Girdle Muscular Dystrophy Type 2B (LGMD2B); MUSCULAR DYSTROPHY, LIMB-GIRDLE, TYPE 3; Limb-girdle muscular dystrophy, type 2B. Identifiers: Orphanet 268, MedGen C1850889, MONDO:0009676, OMIM 253601.
Miyoshi muscular dystrophy 1 (MMD1). Identifiers: Orphanet 45448, MedGen C4551973, MONDO:0024545, OMIM 254130.
Distal myopathy with anterior tibial onset. Identifiers: Orphanet 178400, MedGen C1847532, MONDO:0011721, OMIM 606768.
Neuromuscular disease caused by qualitative or quantitative defects of dysferlin. Also called: Qualitative or quantitative defects of dysferlin; Dysferlinopathy. Identifiers: Orphanet 207073, MedGen C2931687, MONDO:0016145.

Allele frequency attached by ClinVar (database versions not stated): gnomAD exomes below 0.00001; TOPMed 0.00002.
gnomAD v4.1: 2 of 1,612,102 alleles (0.00012%); highest among the groups gnomAD compares: Non-Finnish European, 0.00017%; no homozygotes.

Submissions (8):

ClinGen Limb Girdle Muscular Dystrophy Variant Curation Expert Panel, ClinGen
Classification: Pathogenic for Autosomal recessive limb-girdle muscular dystrophy. Last evaluated: 2025-07-29. Review status: reviewed by expert panel. Criteria: ClinGen LGMD VCEP ACMG Specifications DYSF V1.0.0. Collection method: curation. Allele origin: germline. Inheritance: Autosomal recessive inheritance.
Comment: The NM_003494.4: c.5429G>A variant in DYSF, which is also known as NM_001130987.2: c.5546G>A (p.Arg1849Lys), is a missense variant predicted to cause substitution of arginine by lysine at amino acid 1810, p.(Arg1810Lys). This variant affects the last amino acid of exon 48 and is thus located in the splice donor motif. RNAseq analysis has demonstrated this variant affects splicing, causing skipping of exon 48 and resulting in a frameshift and premature truncation, p.Gly1781ValfsTer17 (PMID: 36983702, 20535123). This is consistent with the SpliceAI prediction score of 0.78 for donor loss. Low levels of transcripts with skipping of exons 48-49 and 48-50 were also detected, though these were more commonly expressed in blood over muscle and were also present in controls. (PVS1_RNA) This variant has been identified in at least eight patients with LGMD, including in a homozygous state in seven individuals, some with known familial consanguinity (0.5 pts, PMID: 36983702, 20535123; PM3_Supporting). Haplotype analysis suggests the c.5429G>A variant may be a founder variant in a region in northern Portugal (PMID: 20535123). At least one patient homozygous for this variant displayed a clinical suspicion or diagnosis of LGMD and absent or severely reduced dysferlin protein expression in skeletal muscle or blood monocytes, which is highly specific for DYSF-associated LGMD (PP4_Strong, PMID: 36983702, 20535123). The highest population allele frequency for this variant in gnomAD v4.1.0 is 0.000001696 (2/1179470 European (non-Finnish) chromosomes), which is less than the LGMD VCEP threshold (≤0.0001) for PM2_Supporting, meeting this criterion (PM2_Supporting). In summary, this variant meets the criteria to be classified as Pathogenic for autosomal recessive limb-girdle muscular dystrophy based on the ACMG/AMP criteria applied, as specified by the ClinGen LGMD VCEP (LGMD VCEP specifications version 1.0.0; 07/29/2025): PVS1_RNA, PM3_Supporting, PP4_Strong, PM2_Supporting.

Natera, Inc.
Classification: Pathogenic for Limb-girdle muscular dystrophy type 2B. Last evaluated: 2025-10-23. Review status: criteria provided, single submitter. Criteria: Natera Variant Classification Schema (03/2026). Collection method: clinical testing. Allele origin: germline. Not counted in ClinVar's aggregate classification.
Comment: The c.5429G>A variant in DYSF is a missense variant predicted to cause substitution of arginine to lysine at amino acid 1810. This variant is rare in the general population with a frequency below the threshold expected for the associated phenotype(s). This variant has been observed in one or more individuals affected with the associated recessive disease, as either homozygous or compound heterozygous with a second variant (PMID: 20535123). Functional studies show that this variant may disrupt protein function (PMID: 20535123). Given the available evidence, this variant is classified as Pathogenic.

Labcorp Genetics (formerly Invitae), Labcorp
Classification: Pathogenic for Neuromuscular disease caused by qualitative or quantitative defects of dysferlin. Last evaluated: 2024-04-25. Review status: criteria provided, single submitter. Criteria: Invitae Variant Classification Sherloc (09022015). Collection method: clinical testing. Allele origin: germline. Not counted in ClinVar's aggregate classification.
Comment: This sequence change replaces arginine, which is basic and polar, with lysine, which is basic and polar, at codon 1810 of the DYSF protein (p.Arg1810Lys). RNA analysis indicates that this missense change induces altered splicing and may result in an absent or disrupted protein product. This variant is not present in population databases (gnomAD no frequency). This missense change has been observed in individuals with clinical features of limb-girdle muscular dystrophy (PMID: 20535123; Invitae). This variant is also known as c.5492G>A and c.5525G>A. ClinVar contains an entry for this variant (Variation ID: 18443). An algorithm developed to predict the effect of missense changes on protein structure and function (PolyPhen-2) suggests that this variant is likely to be tolerated. Variants that disrupt the consensus splice site are a relatively common cause of aberrant splicing (PMID: 17576681, 9536098). Studies have shown that this missense change results in skipping of exon 49 and introduces a premature termination codon (PMID: 20535123). The resulting mRNA is expected to undergo nonsense-mediated decay. For these reasons, this variant has been classified as Pathogenic.

Fulgent Genetics
Classification: Pathogenic for Autosomal recessive limb-girdle muscular dystrophy type 2B; Miyoshi muscular dystrophy 1; Distal myopathy with anterior tibial onset. Last evaluated: 2024-04-11. Review status: criteria provided, single submitter. Criteria: ACMG Guidelines, 2015. Collection method: clinical testing. Allele origin: germline. Not counted in ClinVar's aggregate classification.

Broad Center for Mendelian Genomics, Broad Institute of MIT and Harvard
Classification: Likely pathogenic for Autosomal recessive limb-girdle muscular dystrophy type 2B. Last evaluated: 2018-12-03. Review status: criteria provided, single submitter. Criteria: ACMG Guidelines, 2015. Collection method: research. Allele origin: germline. Inheritance: Autosomal recessive inheritance. Affected: yes. Not counted in ClinVar's aggregate classification.
Comment: This variant was absent from large population studies. Computational prediction tools and conservation analyses do not provide strong support for or against an impact to the protein. The p.Arg1849Lys variant in DYSF has been reported in 7 Portuguese individuals with LGMD, including one individual compound heterozygous with this variant and a second variant not reported in ClinVar, c.5657delG (PMID: 20535123). In vitro functional studies with peripheral blood and muscle tissue from 7 unrelated individuals with LGMD and this variant (6 homozygous, 1 heterozygous) provide some evidence that the p.Arg1849Lys variant may impact protein function. Transcript analysis demonstrated an abnormal lack of splicing Exon 49, resulting in a reading frameshift and early termination of the protein (PMID: 20535123). However, these types of assays may not accurately represent biological function. In summary, although additional studies are required to fully establish its clinical significance, this variant is likely pathogenic. ACMG/AMP Criteria applied: PM2, PS3, PP3 (Richards 2015).

Eurofins Ntd Llc (ga)
Classification: Pathogenic. Last evaluated: 2016-08-09. Review status: criteria provided, single submitter. Criteria: EGL Classification Definitions 2015. Collection method: clinical testing. Allele origin: germline. Observed: 3 variant alleles, 2 heterozygotes, 1 homozygote. Not counted in ClinVar's aggregate classification.

Athena Diagnostics
Classification: Pathogenic for Limb-girdle muscular dystrophy, type 2B. Last evaluated: 2013-03-27. Review status: criteria provided, single submitter. Criteria: Athena Diagnostics Criteria. Collection method: clinical testing. Allele origin: germline. Inheritance: Autosomal recessive inheritance. Not counted in ClinVar's aggregate classification.

OMIM
Classification: Pathogenic for MUSCULAR DYSTROPHY, LIMB-GIRDLE, AUTOSOMAL RECESSIVE 2. Last evaluated: 2010-08-01. Review status: no assertion criteria provided. Collection method: literature only. Allele origin: germline. Not counted in ClinVar's aggregate classification.

Literature cited by the submitters: PubMed 20535123 (cited by 5 submitters); PubMed 17576681 (cited by Labcorp Genetics (formerly Invitae), Labcorp); PubMed 9536098 (cited by Labcorp Genetics (formerly Invitae), Labcorp).

NM_001130987.2(DYSF):c.5546G>A (p.Arg1849Lys)

Gene: DYSF (dysferlin; plus strand). Cytogenetic location: 2p13.2.
Variant type: single nucleotide variant.
Coding change: c.5546G>A on transcript NM_001130987.2 (MANE Select); coding-DNA position 5546, G replaced by A.
Protein change: p.Arg1849Lys; replaces arginine 1849 with lysine.
Molecular consequence: missense variant.
Genome position (GRCh38, 1-based): chr2:71,668,842, G>A. VCF-style: chr2-71668842-G-A. GRCh37 (hg19) VCF-style: chr2-71895972-G-A.
Other names: NM_001130987.2(DYSF):c.5546G>A; 5492G-A; c.5432G>A, p.Arg1811Lys (NM_001130455.2); c.5387G>A, p.Arg1796Lys (NM_001130976.2); c.5450G>A, p.Arg1817Lys (NM_001130977.2); c.5492G>A, p.Arg1831Lys (NM_001130978.2); c.5522G>A, p.Arg1841Lys (NM_001130979.2); c.5480G>A, p.Arg1827Lys (NM_001130980.2); and 7 more; short protein forms R1810K, R1831K, R1849K, R1818K, R1832K, R1797K, R1817K, R1842K.
Identifiers: ClinVar variation 18443 (VCV000018443.19), dbSNP rs786205084, ClinGen allele CA253922.